The following is an entry in ClinVar:

NM_004187.5(KDM5C):c.2831G>A (p.Arg944Lys)

Gene: KDM5C (lysine demethylase 5C; minus strand). Cytogenetic location: Xp11.22.
Variant type: single nucleotide variant.
Coding change: c.2831G>A on transcript NM_004187.5 (MANE Select); coding-DNA position 2831, G replaced by A.
Protein change: p.Arg944Lys; replaces arginine 944 with lysine.
Molecular consequence: missense variant. On other transcripts: non-coding transcript variant (3).
Genome position (GRCh38, 1-based): chrX:53,196,836, C>T on the plus strand (G>A on the coding strand, the complement: KDM5C is on the minus strand). VCF-style: chrX-53196836-C-T. GRCh37 (hg19) VCF-style: chrX-53226018-C-T.
Other names: c.2630G>A, p.Arg877Lys (NM_001146702.2); c.2828G>A, p.Arg943Lys (NM_001282622.3, NM_001353979.2, NM_001353982.2); c.2831G>A, p.Arg944Lys (NM_001353978.3, NM_001353981.2, NM_001353984.2); short protein forms R877K, R943K, R944K.
Identifiers: ClinVar variation 1717719 (VCV001717719.5), dbSNP rs2519397490, ClinGen allele CA413112636.
Genomic context (GRCh38, chrX:53,196,836, plus strand): 5'-GGGCTAGGGGCTACACTGGCACCCGCGACCAACAGTCCTCGCATGACAGCCAAGGTGCCC[C>T]TTCGGGCTGAGGGGGCCAGTGTGCGTTTCACCTCATCCAGCCATCGCGCCTGTTCCACCT-3'
Protein context (NP_004178.2, residues 934-954): VKRTLAPSAR[Arg944Lys]GTLAVMRGLL

ClinVar aggregate classification (germline): Uncertain significance (1 of 4 stars; one submission).

Conditions:
Spastic paraplegia. Identifiers: MedGen C0037772, HP:0001258.

Submission:

Labcorp Genetics (formerly Invitae), Labcorp
Classification: Uncertain significance for Spastic paraplegia. Last evaluated: 2023-03-04. Review status: criteria provided, single submitter. Criteria: Invitae Variant Classification Sherloc (09022015). Collection method: clinical testing. Allele origin: germline.
Comment: This sequence change replaces arginine, which is basic and polar, with lysine, which is basic and polar, at codon 944 of the KDM5C protein (p.Arg944Lys). This variant is not present in population databases (gnomAD no frequency). This variant has not been reported in the literature in individuals affected with KDM5C-related conditions. ClinVar contains an entry for this variant (Variation ID: 1717719). Advanced modeling of protein sequence and biophysical properties (such as structural, functional, and spatial information, amino acid conservation, physicochemical variation, residue mobility, and thermodynamic stability) performed at Invitae indicates that this missense variant is not expected to disrupt KDM5C protein function. In summary, the available evidence is currently insufficient to determine the role of this variant in disease. Therefore, it has been classified as a Variant of Uncertain Significance.